The following is an entry in ClinVar:

NM_001042492.3(NF1):c.6211C>A (p.Gln2071Lys)

Gene: NF1 (neurofibromin 1; plus strand). Cytogenetic location: 17q11.2.
Variant type: single nucleotide variant.
Coding change: c.6211C>A on transcript NM_001042492.3 (MANE Select); coding-DNA position 6211, C replaced by A.
Protein change: p.Gln2071Lys; replaces glutamine 2071 with lysine.
Molecular consequence: missense variant.
Genome position (GRCh38, 1-based): chr17:31,336,698, C>A. VCF-style: chr17-31336698-C-A. GRCh37 (hg19) VCF-style: chr17-29663716-C-A.
Other names: c.6148C>A, p.Gln2050Lys (NM_000267.4); short protein forms Q2071K, Q2050K.
Identifiers: ClinVar variation 3404784 (VCV003404784.1).

ClinVar aggregate classification (germline): Uncertain significance (1 of 4 stars; one submission).

Conditions:
Hereditary cancer-predisposing syndrome. Also called: Hereditary Cancer Syndrome; Tumor predisposition; Hereditary neoplastic syndrome; Neoplastic Syndromes, Hereditary. Identifiers: Orphanet 140162, MedGen C0027672, MeSH D009386, MONDO:0015356.
Cardiovascular phenotype. Identifiers: MedGen CN230736.

gnomAD v4.1: 1 of 1,613,794 alleles (0.000062%); highest among the groups gnomAD compares: Non-Finnish European, 0.000085%; no homozygotes.

Submission:

Ambry Genetics
Classification: Uncertain significance for Cardiovascular phenotype; Hereditary cancer-predisposing syndrome. Last evaluated: 2024-10-07. Review status: criteria provided, single submitter. Criteria: Ambry Variant Classification Scheme 2023. Collection method: clinical testing. Allele origin: germline.
Comment: The p.Q2050K variant (also known as c.6148C>A), located in coding exon 41 of the NF1 gene, results from a C to A substitution at nucleotide position 6148. The glutamine at codon 2050 is replaced by lysine, an amino acid with similar properties. This amino acid position is conserved. In addition, the in silico prediction for this alteration is inconclusive. Based on the available evidence, the clinical significance of this variant remains unclear.